The following is an entry in ClinVar:

ClinVar aggregate classification (germline): Conflicting classifications of pathogenicity. Review status: criteria provided, conflicting classifications (1 of 4 stars). 10 submissions from 10 submitters: Uncertain significance (8); Likely benign (1). 1 of the submissions does not count toward it. Last evaluated 2026-01-11.

Conditions:
BARD1-related cancer predisposition. Identifiers: MedGen CN377756, MONDO:0700267.
Familial cancer of breast. Also called: hereditary breast carcinoma; Hereditary breast cancer; BREAST CANCER, FAMILIAL. Identifiers: Orphanet 227535, MedGen C0346153, MONDO:0016419, OMIM 114480. Disease mechanism: loss of function.
Carcinoma of colon (CRC). Also called: Colon carcinoma; Colonic carcinoma. Identifiers: MedGen C0699790, MONDO:0002032.
Hereditary cancer-predisposing syndrome. Also called: Tumor predisposition; Hereditary neoplastic syndrome; Neoplastic Syndromes, Hereditary; Hereditary Cancer Syndrome. Identifiers: Orphanet 140162, MedGen C0027672, MeSH D009386, MONDO:0015356.

Allele frequency attached by ClinVar (database versions not stated): TOPMed 0.00001; gnomAD 0.00002; gnomAD exomes 0.00002 and 0.00006; ExAC 0.00004.
gnomAD v4.1: 39 of 1,613,954 alleles (0.0024%); highest among the groups gnomAD compares: South Asian, 0.026%; 1 homozygote.

Submissions (10):

Labcorp Genetics (formerly Invitae), Labcorp
Classification: Uncertain significance for Familial cancer of breast. Last evaluated: 2026-01-11. Review status: criteria provided, single submitter. Criteria: Invitae Variant Classification Sherloc (09022015). Collection method: clinical testing. Allele origin: germline.
Comment: This sequence change replaces arginine, which is basic and polar, with glutamine, which is neutral and polar, at codon 406 of the BARD1 protein (p.Arg406Gln). This variant is present in population databases (rs587780014, gnomAD 0.05%), and has an allele count higher than expected for a pathogenic variant. This missense change has been observed in individual(s) with colon cancer (PMID: 31371347). ClinVar contains an entry for this variant (Variation ID: 127713). An algorithm developed to predict the effect of missense changes on protein structure and function outputs the following: PolyPhen-2: "Benign". The glutamine amino acid residue is found in multiple mammalian species, which suggests that this missense change does not adversely affect protein function. Experimental studies have shown that this missense change does not substantially affect BARD1 function (PMID: 26350354). In summary, the available evidence is currently insufficient to determine the role of this variant in disease. Therefore, it has been classified as a Variant of Uncertain Significance.

Blueprint Genetics
Classification: Uncertain significance. Last evaluated: 2024-10-07. Review status: criteria provided, single submitter. Criteria: ACMG Guidelines, 2015. Collection method: clinical testing. Allele origin: germline.

Molecular Pathology, Peter Maccallum Cancer Centre
Classification: Uncertain significance for BARD1-related cancer predisposition. Last evaluated: 2024-08-05. Review status: criteria provided, single submitter. Criteria: ACMG Guidelines, 2015. Collection method: clinical testing. Allele origin: germline. Inheritance: Autosomal dominant inheritance.

KCCC/NGS Laboratory, Kuwait Cancer Control Center
Classification: Uncertain significance for Familial cancer of breast. Last evaluated: 2024-06-20. Review status: criteria provided, single submitter. Criteria: ACMG Guidelines, 2015. Collection method: clinical testing. Allele origin: germline. Inheritance: Autosomal dominant inheritance. Affected: yes. Observed: 1 heterozygote.
Comment: This sequence change replaces arginine, which is basic and polar, with glutamine, which is neutral and polar, at codon 406 of the BARD1 protein (p.Arg406Gln). This variant is present in population databases (rs587780014, gnomAD 0.05%), and has an allele count higher than expected for a pathogenic variant. This missense change has been observed in individual(s) with colon cancer (PMID: 31371347). ClinVar contains an entry for this variant (Variation ID: 127713). Computational prediction suggests that this variant may not impact protein structure and function . In summary, the available evidence is currently insufficient to determine the role of this variant in disease. Therefore, it has been classified as a Variant of Uncertain Significance. Pathogenic/likely pathogenic variants in the BARD1 gene cause susceptibility to breast cancer (OMIM 114480).

Fulgent Genetics
Classification: Uncertain significance for Familial cancer of breast. Last evaluated: 2024-05-01. Review status: criteria provided, single submitter. Criteria: ACMG Guidelines, 2015. Collection method: clinical testing. Allele origin: germline.

Department of Pathology and Laboratory Medicine, Sinai Health System
Classification: Uncertain significance for Familial cancer of breast. Last evaluated: 2022-06-20. Review status: criteria provided, single submitter. Criteria: ACMG Guidelines, 2015. Collection method: clinical testing. Allele origin: germline. Affected: yes.

Ambry Genetics
Classification: Likely benign for Hereditary cancer-predisposing syndrome. Last evaluated: 2022-06-09. Review status: criteria provided, single submitter. Criteria: Ambry Variant Classification Scheme 2023. Collection method: clinical testing. Allele origin: germline.

Color Diagnostics, LLC DBA Color Health
Classification: Uncertain significance for Hereditary cancer-predisposing syndrome. Last evaluated: 2022-04-18. Review status: criteria provided, single submitter. Criteria: ACMG Guidelines, 2015. Collection method: clinical testing. Allele origin: germline.
Comment: This missense variant replaces arginine with glutamine at codon 406 of the BARD1 protein. Computational prediction suggests that this variant may not impact protein structure and function (internally defined REVEL score threshold <= 0.5, PMID: 27666373). A functional study has reported that the variant protein is functional for homology-directed DNA repair in a cell-based assay (PMID: 26350354). Another study has reported normal BARD1-BRCA1 colocalization and RAD51 foci formation but impaired apoptosis in carrier-derived lymphoblastoid cells (PMID: 31371347). This variant has been reported in individuals affected with colon cancer (PMID: 31371347). This variant has been identified in 17/282356 chromosomes in the general population by the Genome Aggregation Database (gnomAD). The available evidence is insufficient to determine the role of this variant in disease conclusively. Therefore, this variant is classified as a Variant of Uncertain Significance.

GeneDx
Classification: Uncertain significance. Last evaluated: 2013-11-18. Review status: criteria provided, single submitter. Criteria: GeneDx Variant Classification (06012015). Collection method: clinical testing. Allele origin: germline. Affected: yes.
Comment: This variant is denoted BARD1 c.1217G>A at the cDNA level, p.Arg406Gln (R406Q) at the protein level, and results in the change of an Arginine to a Glutamine (CGA>CAA). This variant has not, to our knowledge, been published in the literature as pathogenic or benign. This variant has previously been reported as a somatic change in one endometrial tumor according to the Catalogue of Somatic Mutations in Cancer. BARD1 Arg406Gln was not observed in approximately 6,500 individuals of European and African American ancestry in the NHLBI Exome Sequencing Project, indicating it is not a common benign variant in these populations. This variant is a semi-conservative substitution of a positive polar amino acid for a neutral polar one, altering a position that only accepts changes to Glutamic Acid through mammals, but is not conserved below mammals, throughout evolution. This variant is not located in a known functional domain (UniProt). In silico analyses predict this variant to have a benign effect on protein structure and function. On a molecular level, the impact of this missense variant on protein structure and function is not known and thus we consider this to be a variant of uncertain significance. Furthermore, based on the currently available information, cancer risks associated with this variant, and the BARD1 gene, remain unclear.

Cancer Genetics Service, National Cancer Centre Singapore
Classification: Uncertain significance for Colorectal cancer. Last evaluated: 2019-05-01. Review status: no assertion criteria provided. Collection method: clinical testing, in vitro. Allele origin: germline. Affected: yes. Not counted in ClinVar's aggregate classification.

Literature cited by the submitters: PubMed 31371347 (cited by 4 submitters); PubMed 26350354 (cited by 4 submitters).

NM_000465.4(BARD1):c.1217G>A (p.Arg406Gln)

Gene: BARD1 (BRCA1 associated RING domain 1; minus strand). Cytogenetic location: 2q35.
Variant type: single nucleotide variant.
Coding change: c.1217G>A on transcript NM_000465.4 (MANE Select); coding-DNA position 1217, G replaced by A.
Protein change: p.Arg406Gln; replaces arginine 406 with glutamine.
Molecular consequence: missense variant. On other transcripts: non-coding transcript variant (2), intron variant (3).
Genome position (GRCh38, 1-based): chr2:214,780,657, C>T on the plus strand (G>A on the coding strand, the complement: BARD1 is on the minus strand). VCF-style: chr2-214780657-C-T. GRCh37 (hg19) VCF-style: chr2-215645381-C-T.
Other names: p.R406Q:CGA>CAA; c.1160G>A, p.Arg387Gln (NM_001282543.2); c.159-28102G>A (NM_001282548.2); c.215+16404G>A (NM_001282545.2); c.364+11640G>A (NM_001282549.2); short protein forms R406Q, R387Q.
Identifiers: ClinVar variation 127713 (VCV000127713.30), dbSNP rs587780014, ClinGen allele CA287510.